The following is an entry in ClinVar:

ClinVar aggregate classification (germline): Uncertain significance. Review status: criteria provided, multiple submitters, no conflicts (2 of 4 stars). 4 submissions from 4 submitters: Uncertain significance (4). Last evaluated 2025-02-12.

Conditions:
Mitochondrial complex 2 deficiency, nuclear type 4. Also called: MITOCHONDRIAL COMPLEX II DEFICIENCY, NUCLEAR TYPE 4. Identifiers: MedGen C5543176, MONDO:0030974, OMIM 619224.
Carney-Stratakis syndrome. Also called: PARAGANGLIOMA AND GASTROINTESTINAL STROMAL TUMOR. Identifiers: Orphanet 97286, MedGen C1847319, MONDO:0011740, OMIM 606864.
Pheochromocytoma/paraganglioma syndrome 4. Also called: PARAGANGLIOMA, FAMILIAL MALIGNANT; PARAGANGLIOMAS, HEREDITARY EXTRAADRENAL; PHEOCHROMOCYTOMA, FAMILIAL EXTRAADRENAL; SDHB-Related Hereditary Paraganglioma-Pheochromocytoma Syndrome (Paragangliomas 4); CAROTID BODY TUMORS AND MULTIPLE EXTRAADRENAL PHEOCHROMOCYTOMAS; SDHB-Related Hereditary Paraganglioma-Pheochromocytoma Syndrome. Identifiers: Orphanet 29072, MedGen C1861848, MONDO:0007273, OMIM 115310.
Gastrointestinal stromal tumor. Also called: Gastrointestinal stromal tumor, somatic; Gastrointestinal stroma tumor. Identifiers: Orphanet 44890, MedGen C0238198, MeSH D046152, MONDO:0011719, OMIM 606764, HP:0100723.
Pheochromocytoma. Also called: MAX-Related Hereditary Paraganglioma-Pheochromocytoma Syndrome. Identifiers: Orphanet 29072, MedGen C0031511, MONDO:0008233, OMIM 171300, HP:0002666.
Hereditary cancer-predisposing syndrome. Also called: Hereditary Cancer Syndrome; Tumor predisposition; Neoplastic Syndromes, Hereditary; Hereditary neoplastic syndrome. Identifiers: Orphanet 140162, MedGen C0027672, MeSH D009386, MONDO:0015356.

Allele frequency attached by ClinVar (database versions not stated): gnomAD exomes below 0.00001 and 0.00001; TOPMed below 0.00001.
gnomAD v4.1: 2 of 1,613,888 alleles (0.00012%); highest among the groups gnomAD compares: Admixed American, 0.0033%; no homozygotes.

Submissions (4):

Labcorp Genetics (formerly Invitae), Labcorp
Classification: Uncertain significance for Gastrointestinal stromal tumor; Pheochromocytoma/paraganglioma syndrome 4; Pheochromocytoma. Last evaluated: 2025-02-12. Review status: criteria provided, single submitter. Criteria: Invitae Variant Classification Sherloc (09022015). Collection method: clinical testing. Allele origin: germline.
Comment: This sequence change replaces threonine, which is neutral and polar, with alanine, which is neutral and non-polar, at codon 227 of the SDHB protein (p.Thr227Ala). This variant is present in population databases (no rsID available, gnomAD 0.006%). This variant has not been reported in the literature in individuals affected with SDHB-related conditions. ClinVar contains an entry for this variant (Variation ID: 643247). Invitae Evidence Modeling of protein sequence and biophysical properties (such as structural, functional, and spatial information, amino acid conservation, physicochemical variation, residue mobility, and thermodynamic stability) indicates that this missense variant is not expected to disrupt SDHB protein function with a negative predictive value of 80%. In summary, the available evidence is currently insufficient to determine the role of this variant in disease. Therefore, it has been classified as a Variant of Uncertain Significance.

Ambry Genetics
Classification: Uncertain significance for Hereditary cancer-predisposing syndrome. Last evaluated: 2024-12-12. Review status: criteria provided, single submitter. Criteria: Ambry Variant Classification Scheme 2023. Collection method: clinical testing. Allele origin: germline.
Comment: The p.T227A variant (also known as c.679A>G), located in coding exon 7 of the SDHB gene, results from an A to G substitution at nucleotide position 679. The threonine at codon 227 is replaced by alanine, an amino acid with similar properties. This amino acid position is highly conserved in available vertebrate species. In addition, this alteration is predicted to be deleterious by in silico analysis. Since supporting evidence is limited at this time, the clinical significance of this alteration remains unclear.

Department of Pathology and Laboratory Medicine, Sinai Health System
Classification: Uncertain significance for Pheochromocytoma/paraganglioma syndrome 4; Gastrointestinal stromal tumor; Carney-Stratakis syndrome; Mitochondrial complex 2 deficiency, nuclear type 4. Last evaluated: 2024-08-21. Review status: criteria provided, single submitter. Criteria: ACMG Guidelines, 2015. Collection method: clinical testing. Allele origin: germline.

Women's Health and Genetics/Laboratory Corporation of America, LabCorp
Classification: Uncertain significance. Last evaluated: 2023-01-06. Review status: criteria provided, single submitter. Criteria: LabCorp Variant Classification Summary - May 2015. Collection method: clinical testing. Allele origin: germline.

NM_003000.3(SDHB):c.679A>G (p.Thr227Ala)

Gene: SDHB (succinate dehydrogenase complex iron sulfur subunit B; minus strand). Cytogenetic location: 1p36.13.
Variant type: single nucleotide variant.
Coding change: c.679A>G on transcript NM_003000.3 (MANE Select); coding-DNA position 679, A replaced by G.
Protein change: p.Thr227Ala; replaces threonine 227 with alanine.
Molecular consequence: missense variant.
Genome position (GRCh38, 1-based): chr1:17,022,694, T>C on the plus strand (A>G on the coding strand, the complement: SDHB is on the minus strand). VCF-style: chr1-17022694-T-C. GRCh37 (hg19) VCF-style: chr1-17349189-T-C.
Other names: short protein forms T227A.
Identifiers: ClinVar variation 643247 (VCV000643247.14), dbSNP rs1191046308, ClinGen allele CA338270381.